The following is an entry in ClinVar:

NM_032043.3(BRIP1):c.241del (p.Glu81fs)

Gene: BRIP1 (BRCA1 interacting DNA helicase 1; minus strand). Cytogenetic location: 17q23.2.
Variant type: Deletion.
Coding change: c.241del on transcript NM_032043.3 (MANE Select); coding-DNA position 241, one base deleted (G; older notation c.241delG).
Protein change: p.Glu81fs; shifts the reading frame from glutamic acid 81.
Molecular consequence: frameshift variant.
Genome position (GRCh38, 1-based): chr17:61,857,196, C deleted on the plus strand (G on the coding strand, the reverse complement: BRIP1 is on the minus strand). VCF-style (leftmost placement, unchanged base first): chr17-61857195-TC-T. GRCh37 (hg19) VCF-style: chr17-59934556-TC-T.
Other names: c.241delG (NM_032043.2); short protein forms E81fs.
Identifiers: ClinVar variation 632726 (VCV000632726.17), dbSNP rs1292988272, ClinGen allele CA626820444.
Genomic context (GRCh38, chr17:61,857,195, plus strand): 5'-TTCATGTCATTGTTTGTAAAATCCTTTGAATGGCATGCACAACAACATGACAATTGTACT[TC>T]AGCTTTTTCACTTACGCCCTCATCTGCTGGTTTCCCTAAAAATGAAAGAACATCTATTTA-3'

ClinVar aggregate classification (germline): Pathogenic/Likely pathogenic. Review status: criteria provided, multiple submitters, no conflicts (2 of 4 stars). 5 submissions from 5 submitters: Pathogenic (3); Likely pathogenic (2). Last evaluated 2026-03-18.

Conditions:
Fanconi anemia complementation group J. Also called: BRIP1-Related Fanconi Anemia. Identifiers: Orphanet 84, MedGen C1836860, MONDO:0012187, OMIM 609054.
Familial cancer of breast. Also called: hereditary breast carcinoma; Hereditary breast cancer; BREAST CANCER, FAMILIAL. Identifiers: Orphanet 227535, MedGen C0346153, MONDO:0016419, OMIM 114480. Disease mechanism: loss of function.
Hereditary breast ovarian cancer syndrome. Also called: Hereditary breast and ovarian cancer; Hereditary breast and ovarian cancer syndrome (HBOC); Hereditary breast and ovarian cancer syndrome; Breast and ovarian cancer; Hereditary breast and/or ovarian cancer syndrome; BRCA1- and BRCA2-Associated Hereditary Breast and Ovarian Cancer. Identifiers: Orphanet 145, MedGen C0677776, MeSH D061325, MONDO:0003582. Disease mechanism: loss of function.
Hereditary cancer-predisposing syndrome. Also called: Tumor predisposition; Hereditary Cancer Syndrome; Neoplastic Syndromes, Hereditary; Hereditary neoplastic syndrome. Identifiers: Orphanet 140162, MedGen C0027672, MeSH D009386, MONDO:0015356.

Allele frequency attached by ClinVar (database versions not stated): gnomAD exomes below 0.00001.

Submissions (5):

Ambry Genetics
Classification: Pathogenic for Hereditary cancer-predisposing syndrome. Last evaluated: 2026-03-18. Review status: criteria provided, single submitter. Criteria: Ambry Variant Classification Scheme 2023. Collection method: clinical testing. Allele origin: germline.
Comment: The c.241delG pathogenic mutation, located in coding exon 3 of the BRIP1 gene, results from a deletion of one nucleotide at nucleotide position 241, causing a translational frameshift with a predicted alternate stop codon (p.E81Kfs*20). This alteration is expected to result in loss of function by premature protein truncation or nonsense-mediated mRNA decay. As such, this alteration is interpreted as a disease-causing mutation.

Institute for Genomic Medicine (IGM) Clinical Laboratory, Nationwide Children's Hospital
Classification: Likely pathogenic for Hereditary cancer-predisposing syndrome. Last evaluated: 2025-05-23. Review status: criteria provided, single submitter. Criteria: ACMG Guidelines, 2015. Collection method: clinical testing. Allele origin: germline.
Comment: This variant is predicted to result in loss of function through nonsense-mediated decay of the encoded transcript or premature truncation of the encoded protein in a gene in which loss of function is a known mechanism of disease (ACMG/AMP: PVS1; PMIDs:18628483, 21345144, 29368626). This variant is absent from or present at an exceedingly low frequency in gnomAD, a large-scale control population database (ACMG/AMP: PM2).

Labcorp Genetics (formerly Invitae), Labcorp
Classification: Pathogenic for Familial cancer of breast; Fanconi anemia complementation group J. Last evaluated: 2024-05-09. Review status: criteria provided, single submitter. Criteria: Invitae Variant Classification Sherloc (09022015). Collection method: clinical testing. Allele origin: germline.
Comment: This sequence change creates a premature translational stop signal (p.Glu81Lysfs*20) in the BRIP1 gene. It is expected to result in an absent or disrupted protein product. Loss-of-function variants in BRIP1 are known to be pathogenic (PMID: 16116423, 17033622, 21964575). This variant is present in population databases (no rsID available, gnomAD 0.003%). This variant has not been reported in the literature in individuals affected with BRIP1-related conditions. ClinVar contains an entry for this variant (Variation ID: 632726). For these reasons, this variant has been classified as Pathogenic.

Myriad Genetics, Inc.
Classification: Pathogenic for Familial cancer of breast. Last evaluated: 2023-05-30. Review status: criteria provided, single submitter. Criteria: Myriad Autosomal Dominant, Autosomal Recessive and X-Linked Classification Criteria (2023). Collection method: clinical testing. Allele origin: unknown.
Comment: This variant is considered pathogenic. This variant creates a frameshift predicted to result in premature protein truncation.

Women's Health and Genetics/Laboratory Corporation of America, LabCorp
Classification: Likely pathogenic for Hereditary breast and ovarian cancer syndrome. Last evaluated: 2020-08-17. Review status: criteria provided, single submitter. Criteria: LabCorp Variant Classification Summary - May 2015. Collection method: clinical testing. Allele origin: germline.
Comment: Variant summary: BRIP1 c.241delG (p.Glu81LysfsX20) results in a premature termination codon, predicted to cause a truncation of the encoded protein or absence of the protein due to nonsense mediated decay, which are commonly known mechanisms for disease. Truncations downstream of this position have been classified as pathogenic by our laboratory. The variant allele was found at a frequency of 4e-06 in 251418 control chromosomes. To our knowledge, no occurrence of c.241delG in individuals affected with Hereditary Breast And Ovarian Cancer Syndrome and no experimental evidence demonstrating its impact on protein function have been reported. One clinical diagnostic laboratory has submitted clinical-significance assessments for this variant to ClinVar after 2014 without evidence for independent evaluation and classified the variant as pathogenic. Based on the evidence outlined above, the variant was classified as likely pathogenic.

Literature cited by the submitters: PubMed 18628483 (cited by Institute for Genomic Medicine (IGM) Clinical Laboratory, Nationwide Children's Hospital); PubMed 21345144 (cited by Institute for Genomic Medicine (IGM) Clinical Laboratory, Nationwide Children's Hospital); PubMed 29368626 (cited by Institute for Genomic Medicine (IGM) Clinical Laboratory, Nationwide Children's Hospital); PubMed 16116423 (cited by Labcorp Genetics (formerly Invitae), Labcorp); PubMed 17033622 (cited by Labcorp Genetics (formerly Invitae), Labcorp); PubMed 21964575 (cited by Labcorp Genetics (formerly Invitae), Labcorp); PubMed 29922827 (cited by Women's Health and Genetics/Laboratory Corporation of America, LabCorp).